The following is an entry in ClinVar:

ClinVar aggregate classification (germline): Uncertain significance (1 of 4 stars; one submission).

Conditions:
Inborn genetic diseases. Identifiers: MedGen C0950123, MeSH D030342.

Submission:

Ambry Genetics
Classification: Uncertain significance for Inborn genetic diseases. Last evaluated: 2024-05-10. Review status: criteria provided, single submitter. Criteria: Ambry Variant Classification Scheme 2023. Collection method: clinical testing. Allele origin: germline.
Comment: The c.1871A>T (p.K624I) alteration is located in exon 14 (coding exon 14) of the SMARCA5 gene. This alteration results from an A to T substitution at nucleotide position 1871, causing the lysine (K) at amino acid position 624 to be replaced by an isoleucine (I). This variant was not reported in population-based cohorts in the Genome Aggregation Database (gnomAD). This amino acid position is highly conserved in available vertebrate species. This missense alteration is located in a region that has a low rate of benign missense variation (Lek, 2016; Firth, 2009). This alteration is predicted to be deleterious by in silico analysis. Based on insufficient or conflicting evidence, the clinical significance of this alteration remains unclear.

NM_003601.4(SMARCA5):c.1871A>T (p.Lys624Ile)

Gene: SMARCA5 (SWI/SNF related, matrix associated, actin dependent regulator of chromatin, subfamily a, member 5; plus strand). Cytogenetic location: 4q31.21.
Variant type: single nucleotide variant.
Coding change: c.1871A>T on transcript NM_003601.4 (MANE Select); coding-DNA position 1871, A replaced by T.
Protein change: p.Lys624Ile; replaces lysine 624 with isoleucine.
Molecular consequence: missense variant.
Genome position (GRCh38, 1-based): chr4:143,540,463, A>T. VCF-style: chr4-143540463-A-T. GRCh37 (hg19) VCF-style: chr4-144461616-A-T.
Other names: short protein forms K624I.
Identifiers: ClinVar variation 3320780 (VCV003320780.1).